The following is an entry in ClinVar:

ClinVar aggregate classification (germline): Pathogenic/Likely pathogenic. Review status: criteria provided, multiple submitters, no conflicts (2 of 4 stars). 4 submissions from 4 submitters: Pathogenic (1); Likely pathogenic (2). 1 of the submissions does not count toward it. Last evaluated 2025-08-29.

Conditions:
Hereditary cancer-predisposing syndrome. Also called: Hereditary Cancer Syndrome; Hereditary neoplastic syndrome; Tumor predisposition; Neoplastic Syndromes, Hereditary. Identifiers: Orphanet 140162, MedGen C0027672, MeSH D009386, MONDO:0015356.
Birt-Hogg-Dube syndrome. Also called: Birt Hogg Dubé syndrome. Identifiers: Orphanet 122, MedGen C0346010, MONDO:0800444.

Submissions (4):

Labcorp Genetics (formerly Invitae), Labcorp
Classification: Likely pathogenic for Birt-Hogg-Dube syndrome. Last evaluated: 2025-08-29. Review status: criteria provided, single submitter. Criteria: Invitae Variant Classification Sherloc (09022015). Collection method: clinical testing. Allele origin: germline.
Comment: This sequence change affects an acceptor splice site in intron 11 of the FLCN gene. It is expected to disrupt RNA splicing. Variants that disrupt the donor or acceptor splice site typically lead to a loss of protein function (PMID: 16199547), and loss-of-function variants in FLCN are known to be pathogenic (PMID: 15852235). This variant is not present in population databases (gnomAD no frequency). Disruption of this splice site has been observed in individual(s) with clinical features of Birt-Hogg-Dubé syndrome (PMID: 37490463; internal data). ClinVar contains an entry for this variant (Variation ID: 439732). Algorithms developed to predict the effect of sequence changes on RNA splicing suggest that this variant may disrupt the consensus splice site. In summary, the currently available evidence indicates that the variant is pathogenic, but additional data are needed to prove that conclusively. Therefore, this variant has been classified as Likely Pathogenic.

Ambry Genetics
Classification: Likely pathogenic for Hereditary cancer-predisposing syndrome. Last evaluated: 2025-07-21. Review status: criteria provided, single submitter. Criteria: Ambry Variant Classification Scheme 2023. Collection method: clinical testing. Allele origin: germline.
Comment: The c.1301-2A>G intronic variant results from an A to G substitution two nucleotides upstream from coding exon 9 in the FLCN gene. This variant was reported in individuals with features consistent with Birt-Hogg-Dub&eacute; syndrome (Ambry internal data; Namba Y et al. PLoS One, 2023 Jul;18:e0289175). This nucleotide position is highly conserved in available vertebrate species. In silico splice site analysis predicts that this alteration will weaken the native splice acceptor site. RNA studies have demonstrated that this alteration results in abnormal splicing in the set of samples tested (Ambry internal data). Another variant impacting the same acceptor site (c.1301-1G>A) has been shown to have a similar impact on splicing in individuals with features consistent with Birt-Hogg-Dub&eacute; syndrome (Ray A et al. Orphanet J Rare Dis, 2022 Apr;17:176; Ambry internal data). This variant is considered to be rare based on population cohorts in the Genome Aggregation Database (gnomAD). Based on the majority of available evidence to date, this variant is likely to be pathogenic.

ARUP Laboratories, Molecular Genetics and Genomics, ARUP Laboratories
Classification: Pathogenic. Last evaluated: 2017-05-09. Review status: criteria provided, single submitter. Criteria: ARUP Molecular Germline Variant Investigation Process. Collection method: clinical testing. Allele origin: germline.

Division of Respiratory Medicine of Juntendo University, Juntendo University Faculty of Medicine and Graduate School of Medicine
Classification: Pathogenic for Birt-Hogg-Dube syndrome 1. Last evaluated: 2023-07-01. Review status: no assertion criteria provided. Collection method: clinical testing. Allele origin: germline. Affected: yes. Not counted in ClinVar's aggregate classification.

Literature cited by the submitters: PubMed 16199547 (cited by Labcorp Genetics (formerly Invitae), Labcorp); PubMed 15852235 (cited by Labcorp Genetics (formerly Invitae), Labcorp); PubMed 37490463 (cited by Labcorp Genetics (formerly Invitae), Labcorp and Ambry Genetics).

NM_144997.7(FLCN):c.1301-2A>G

Gene: FLCN (folliculin; minus strand). Cytogenetic location: 17p11.2.
Variant type: single nucleotide variant.
Coding change: c.1301-2A>G on transcript NM_144997.7 (MANE Select); the canonical splice acceptor site of the intron before coding-DNA position 1301, A replaced by G.
Molecular consequence: splice acceptor variant.
Genome position (GRCh38, 1-based): chr17:17,215,318, T>C on the plus strand (A>G on the coding strand, the complement: FLCN is on the minus strand). VCF-style: chr17-17215318-T-C. GRCh37 (hg19) VCF-style: chr17-17118632-T-C.
Other names: c.1301-2A>G (NM_001353231.2, NM_001353230.2); c.1355-2A>G (NM_001353229.2).
Identifiers: ClinVar variation 439732 (VCV000439732.17), dbSNP rs1555607296, ClinGen allele CA398531521.